The following is an entry in ClinVar:

NM_001519.4(BRF1):c.1929C>T (p.Asp643=)

Gene: BRF1 (BRF1 general transcription factor IIIB subunit; minus strand). Cytogenetic location: 14q32.33.
Variant type: single nucleotide variant.
Coding change: c.1929C>T on transcript NM_001519.4 (MANE Select); coding-DNA position 1929, C replaced by T.
Protein change: p.Asp643=; no amino-acid change (aspartic acid 643 retained).
Molecular consequence: synonymous variant.
Genome position (GRCh38, 1-based): chr14:105,211,189, G>A on the plus strand (C>T on the coding strand, the complement: BRF1 is on the minus strand). VCF-style: chr14-105211189-G-A. GRCh37 (hg19) VCF-style: chr14-105677526-G-A.
Other names: c.1650C>T, p.Asp550= (NM_001242786.2); c.1584C>T, p.Asp528= (NM_001242787.2); c.1848C>T, p.Asp616= (NM_001242788.2); c.1215C>T, p.Asp405= (NM_001242789.2); c.1317C>T, p.Asp439= (NM_145685.3).
Identifiers: ClinVar variation 786751 (VCV000786751.27), dbSNP rs961802130, ClinGen allele CA266547007.

ClinVar aggregate classification (germline): Likely benign. Review status: criteria provided, multiple submitters, no conflicts (2 of 4 stars). 2 submissions from 2 submitters: Likely benign (2). Last evaluated 2023-04-01.

Allele frequency attached by ClinVar (database versions not stated): gnomAD 0.00001; TOPMed 0.00001.
gnomAD v4.1: 29 of 1,611,942 alleles (0.0018%); highest among the groups gnomAD compares: Middle Eastern, 0.033%; no homozygotes.

Submissions (2):

CeGaT Center for Human Genetics Tuebingen
Classification: Likely benign. Last evaluated: 2023-04-01. Review status: criteria provided, single submitter. Criteria: CeGaT Center For Human Genetics Tuebingen Variant Classification Criteria Version 2. Collection method: clinical testing. Allele origin: germline. Affected: yes. Observed: 1 variant allele.
Comment: BRF1: BP4, BP7

Labcorp Genetics (formerly Invitae), Labcorp
Classification: Likely benign. Last evaluated: 2017-07-13. Review status: criteria provided, single submitter. Criteria: Invitae Variant Classification Sherloc (09022015). Collection method: clinical testing. Allele origin: germline.